The following is an entry in ClinVar:

ClinVar aggregate classification (germline): Conflicting classifications of pathogenicity. Review status: criteria provided, conflicting classifications (1 of 4 stars). 7 submissions from 7 submitters: Uncertain significance (4); Likely benign (1). 2 of the submissions do not count toward it. Last evaluated 2026-01-17.

Conditions:
Retinal dystrophy. Also called: Inherited retinal dystrophy. Identifiers: Orphanet 71862, MedGen C0854723, MeSH D058499, MONDO:0019118, HP:0000556.
Usher syndrome type 1B (USH1B). Also called: Usher syndrome type IB. Identifiers: MedGen C1848638, MONDO:0700087.
Autosomal dominant nonsyndromic hearing loss 11. Identifiers: Orphanet 90635, MedGen C1832475, MONDO:0011032, OMIM 601317.

Allele frequency attached by ClinVar (database versions not stated): gnomAD 0.00001 and 0.00003; gnomAD exomes 0.00005 and 0.00018; TOPMed 0.00008; ExAC 0.00013; ESP Exome Variant Server 0.00016.
gnomAD v4.1: 84 of 1,613,166 alleles (0.0052%); highest among the groups gnomAD compares: Admixed American, 0.065%; no homozygotes.

Submissions (7):

Labcorp Genetics (formerly Invitae), Labcorp
Classification: Likely benign. Last evaluated: 2026-01-17. Review status: criteria provided, single submitter. Criteria: Invitae Variant Classification Sherloc (09022015). Collection method: clinical testing. Allele origin: germline.

GeneDx
Classification: Uncertain significance. Last evaluated: 2025-07-16. Review status: criteria provided, single submitter. Criteria: GeneDx Variant Classification Process June 2021. Collection method: clinical testing. Allele origin: germline. Affected: yes.
Comment: Reported with a second variant, phase unknown, in an individual with late onset hearing loss in published literature (PMID: 38790200); In silico analysis supports that this missense variant has a deleterious effect on protein structure/function; This variant is associated with the following publications: (PMID: 38790200)

Blueprint Genetics
Classification: Uncertain significance. Last evaluated: 2024-10-11. Review status: criteria provided, single submitter. Criteria: ACMG Guidelines, 2015. Collection method: clinical testing. Allele origin: germline.

Centre for Mendelian Genomics, University Medical Centre Ljubljana
Classification: Uncertain significance for Autosomal dominant nonsyndromic hearing loss 11. Last evaluated: 2019-11-25. Review status: criteria provided, single submitter. Criteria: ACMG Guidelines, 2015. Collection method: clinical testing. Allele origin: unknown. Affected: yes.
Comment: This variant was classified as: Uncertain significance. The available evidence on this variant's pathogenicity is insufficient or conflicting. The following ACMG criteria were applied in classifying this variant: PM2,PP3.

Laboratory for Molecular Medicine, Mass General Brigham Personalized Medicine
Classification: Uncertain significance. Last evaluated: 2010-09-27. Review status: criteria provided, single submitter. Criteria: LMM Criteria. Collection method: clinical testing. Allele origin: germline. Observed: 1 variant allele.
Comment: Variant classified as Uncertain Significance - Favor Benign. The Arg120His varia nt in MYO7A has not been reported in the literature nor previously identified by our laboratory. This residue is conserved in mammals though not in lower specie s. Computational analyses (PolyPhen, SIFT, AlignGVGD) provide inconsistent predi ctions regarding the impact to the protein though this information is not very p redictive of pathogenicity anyway. In summary, the clinical significance of this variant cannot be determined at this time.

Institute of Human Genetics, Univ. Regensburg, Univ. Regensburg
Classification: Uncertain significance for Retinal dystrophy. Last evaluated: 2023-01-01. Review status: no assertion criteria provided. Criteria: ACMG Guidelines, 2015. Collection method: clinical testing. Allele origin: germline. Affected: yes. Not counted in ClinVar's aggregate classification.

Natera, Inc.
Classification: Uncertain significance for Usher syndrome type 1B. Last evaluated: 2020-09-16. Review status: no assertion criteria provided. Collection method: clinical testing. Allele origin: germline. Not counted in ClinVar's aggregate classification.

NM_000260.4(MYO7A):c.359G>A (p.Arg120His)

Gene: MYO7A (myosin VIIA; plus strand). Cytogenetic location: 11q13.5.
Variant type: single nucleotide variant.
Coding change: c.359G>A on transcript NM_000260.4 (MANE Select); coding-DNA position 359, G replaced by A.
Protein change: p.Arg120His; replaces arginine 120 with histidine.
Molecular consequence: missense variant.
Genome position (GRCh38, 1-based): chr11:77,155,980, G>A. VCF-style: chr11-77155980-G-A. GRCh37 (hg19) VCF-style: chr11-76867026-G-A.
Other names: c.359G>A, p.Arg120His (NM_001127180.2); c.326G>A, p.Arg109His (NM_001369365.1); short protein forms R120H, R109H.
Identifiers: ClinVar variation 43214 (VCV000043214.21), dbSNP rs369493667, ClinGen allele CA132297.